The following is an entry in ClinVar:

NM_005633.4(SOS1):c.2494A>T (p.Thr832Ser)

Gene: SOS1 (SOS Ras/Rac guanine nucleotide exchange factor 1; minus strand). Cytogenetic location: 2p22.1.
Variant type: single nucleotide variant.
Coding change: c.2494A>T on transcript NM_005633.4 (MANE Select); coding-DNA position 2494, A replaced by T.
Protein change: p.Thr832Ser; replaces threonine 832 with serine.
Molecular consequence: missense variant.
Genome position (GRCh38, 1-based): chr2:39,010,600, T>A on the plus strand (A>T on the coding strand, the complement: SOS1 is on the minus strand). VCF-style: chr2-39010600-T-A. GRCh37 (hg19) VCF-style: chr2-39237741-T-A.
Other names: c.2473A>T, p.Thr825Ser (NM_001382394.1); c.2494A>T, p.Thr832Ser (NM_001382395.1); short protein forms T825S, T832S.
Identifiers: ClinVar variation 2587630 (VCV002587630.2), dbSNP rs2528984821, ClinGen allele CA346363735.

ClinVar aggregate classification (germline): Uncertain significance (1 of 4 stars; one submission).

Conditions:
Cardiovascular phenotype. Identifiers: MedGen CN230736.

Submission:

Ambry Genetics
Classification: Uncertain significance for Cardiovascular phenotype. Last evaluated: 2023-07-15. Review status: criteria provided, single submitter. Criteria: Ambry Variant Classification Scheme 2023. Collection method: clinical testing. Allele origin: germline.
Comment: The p.T832S variant (also known as c.2494A>T), located in coding exon 15 of the SOS1 gene, results from an A to T substitution at nucleotide position 2494. The threonine at codon 832 is replaced by serine, an amino acid with similar properties. This amino acid position is conserved. In addition, the in silico prediction for this alteration is inconclusive. Since supporting evidence is limited at this time, the clinical significance of this alteration remains unclear.